The following is an entry in ClinVar:

NM_006996.3(SLC19A2):c.555G>A (p.Trp185Ter)

Gene: SLC19A2 (solute carrier family 19 member 2; minus strand). Cytogenetic location: 1q24.2.
Variant type: single nucleotide variant.
Coding change: c.555G>A on transcript NM_006996.3 (MANE Select); coding-DNA position 555, G replaced by A.
Protein change: p.Trp185Ter; replaces tryptophan 185 with a stop codon.
Molecular consequence: nonsense. On other transcripts: intron variant (1).
Genome position (GRCh38, 1-based): chr1:169,477,407, C>T on the plus strand (G>A on the coding strand, the complement: SLC19A2 is on the minus strand). VCF-style: chr1-169477407-C-T. GRCh37 (hg19) VCF-style: chr1-169446645-C-T.
Other names: c.205-7221G>A (NM_001319667.1); short protein forms W185*.
Identifiers: ClinVar variation 2820387 (VCV002820387.3), dbSNP rs1187002038, ClinGen allele CA343110244.

ClinVar aggregate classification (germline): Pathogenic (1 of 4 stars; one submission).

Submission:

Labcorp Genetics (formerly Invitae), Labcorp
Classification: Pathogenic. Last evaluated: 2024-05-06. Review status: criteria provided, single submitter. Criteria: Invitae Variant Classification Sherloc (09022015). Collection method: clinical testing. Allele origin: germline.
Comment: This sequence change creates a premature translational stop signal (p.Trp185*) in the SLC19A2 gene. It is expected to result in an absent or disrupted protein product. Loss-of-function variants in SLC19A2 are known to be pathogenic (PMID: 10391221, 10391223, 10874303). This variant is not present in population databases (gnomAD no frequency). This variant has not been reported in the literature in individuals affected with SLC19A2-related conditions. For these reasons, this variant has been classified as Pathogenic.

Literature cited by the submitters: PubMed 10391221; PubMed 10391223; PubMed 10874303.